The following is an entry in ClinVar:

NM_001267550.2(TTN):c.13360G>T (p.Glu4454Ter)

Gene: TTN (titin; minus strand). Cytogenetic location: 2q31.2.
Variant type: single nucleotide variant.
Coding change: c.13360G>T on transcript NM_001267550.2 (MANE Select); coding-DNA position 13360, G replaced by T.
Protein change: p.Glu4454Ter; replaces glutamic acid 4454 with a stop codon.
Molecular consequence: nonsense. On other transcripts: intron variant (1).
Genome position (GRCh38, 1-based): chr2:178,739,873, C>A on the plus strand (G>T on the coding strand, the complement: TTN is on the minus strand). VCF-style: chr2-178739873-C-A. GRCh37 (hg19) VCF-style: chr2-179604600-C-A.
Other names: c.12409G>T, p.Glu4137Ter (NM_001256850.1); c.12271G>T, p.Glu4091Ter (NM_003319.4); c.12646G>T, p.Glu4216Ter (NM_133432.3); c.12847G>T, p.Glu4283Ter (NM_133437.4); c.10361-1513G>T (NM_133378.4); short protein forms E4137*, E4454*, E4091*, E4216*, E4283*.
Identifiers: ClinVar variation 424076 (VCV000424076.3), dbSNP rs1064796783, ClinGen allele CA16617383.

ClinVar aggregate classification (germline): Conflicting classifications of pathogenicity. Review status: criteria provided, conflicting classifications (1 of 4 stars). 2 submissions from 2 submitters: Likely pathogenic (1); Uncertain significance (1). Last evaluated 2025-12-11.

Conditions:
Dilated cardiomyopathy 1G (CMD1G). Identifiers: Orphanet 154, MedGen C1858763, MONDO:0011400, OMIM 604145.

Submissions (2):

Variantyx, Inc.
Classification: Likely pathogenic for Dilated cardiomyopathy 1G. Last evaluated: 2025-12-11. Review status: criteria provided, single submitter. Criteria: Variantyx Assertion Criteria 2022. Collection method: clinical testing. Allele origin: germline. Inheritance: Autosomal dominant inheritance. Affected: yes.
Comment: This is a nonsense variant in the TTN gene (OMIM: 188840). Pathogenic variants in this gene have been associated with autosomal dominant dilated cardiomyopathy 1G. This variant introduces a premature termination codon in exon 48 out of 363 and is expected to result in loss of function. The alteration is located in the I band of TTN (PMID: 25589632). Truncating variants in this region that are encoded in constitutive exons (PSI >90%) have been found to be significantly associated with dilated cardiomyopathy (PMID: 25589632, 27869827, 39968638) (PVS1). This variant has a 0.0001% maximum allele frequency in non-founder control populations (PM2). Based on the current evidence, this variant is classified as Likely pathogenic for autosomal dominant dilated cardiomyopathy 1G.

GeneDx
Classification: Uncertain significance. Last evaluated: 2017-03-07. Review status: criteria provided, single submitter. Criteria: GeneDx Variant Classification (06012015). Collection method: clinical testing. Allele origin: germline. Affected: yes.
Comment: The E4137X variant in the TTN gene has not been reported previously as a disease-causing pathogenic variant or as a benign variant, to our knowledge. This variant is not observed in large population cohorts (Lek et al., 2016; 1000 Genomes Consortium et al., 2015; Exome Variant Server). The E4137X variant is predicted to cause loss of normal protein function either due to production of an abnormal, prematurely truncated protein, or by absence of protein product due to nonsense mediated mRNA decay. However, other truncating TTN variants have been reported in approximately 3% of control alleles and this variant is not is located in the A-band region of titin, where the majority of truncating pathogenic variants associated with DCM have been reported (Herman et al., 2012).

Literature cited by the submitters: PubMed 25589632 (cited by Variantyx, Inc.); PubMed 27869827 (cited by Variantyx, Inc.); PubMed 39968638 (cited by Variantyx, Inc.).